The following is an entry in ClinVar:

ClinVar aggregate classification (germline): Uncertain significance (1 of 4 stars; one submission).

Conditions:
Capillary malformation-arteriovenous malformation 2 (CMAVM2). Identifiers: Orphanet 693912, MedGen C4748670, MONDO:0020785, OMIM 618196.

Submission:

Clinical Genomics Laboratory, Washington University in St. Louis
Classification: Uncertain significance for Capillary malformation-arteriovenous malformation 2. Last evaluated: 2024-01-08. Review status: criteria provided, single submitter. Criteria: ACMG Guidelines, 2015. Collection method: clinical testing. Allele origin: somatic.
Comment: An EPHB4 c.758G>A (p.Cys253Tyr) variant was identified at an allelic fraction consistent with somatic origin. This variant, to our knowledge, has not been reported in the medical literature. It occurs at a highly conserved base position in the cysteine rich domain. Computational predictors indicate that the variant is damaging, evidence that correlates with impact to EPHB4 function. Based on an internally-developed protocol informed by the ACMG/AMP guidelines (Richards S et al., PMID: 25741868) and gene-specific practices from the ClinGen Criteria Specification Registry, the clinical significance of the EPHB4 c.758G>A (p.Cys253Tyr) variant is uncertain at this time.

NM_004444.5(EPHB4):c.758G>A (p.Cys253Tyr)

Gene: EPHB4 (EPH receptor B4; minus strand). Cytogenetic location: 7q22.1.
Variant type: single nucleotide variant.
Coding change: c.758G>A on transcript NM_004444.5 (MANE Select); coding-DNA position 758, G replaced by A.
Protein change: p.Cys253Tyr; replaces cysteine 253 with tyrosine.
Molecular consequence: missense variant.
Genome position (GRCh38, 1-based): chr7:100,822,321, C>T on the plus strand (G>A on the coding strand, the complement: EPHB4 is on the minus strand). VCF-style: chr7-100822321-C-T. GRCh37 (hg19) VCF-style: chr7-100419943-C-T.
Other names: short protein forms C253Y.
Identifiers: ClinVar variation 3238641 (VCV003238641.1), dbSNP rs2485044821.